The following is an entry in ClinVar:

NM_004863.4(SPTLC2):c.278A>G (p.Tyr93Cys)

Gene: SPTLC2 (serine palmitoyltransferase long chain base subunit 2; minus strand). Cytogenetic location: 14q24.3.
Variant type: single nucleotide variant.
Coding change: c.278A>G on transcript NM_004863.4 (MANE Select); coding-DNA position 278, A replaced by G.
Protein change: p.Tyr93Cys; replaces tyrosine 93 with cysteine.
Molecular consequence: missense variant.
Genome position (GRCh38, 1-based): chr14:77,597,235, T>C on the plus strand (A>G on the coding strand, the complement: SPTLC2 is on the minus strand). VCF-style: chr14-77597235-T-C. GRCh37 (hg19) VCF-style: chr14-78063578-T-C.
Other names: short protein forms Y93C.
Identifiers: ClinVar variation 2903343 (VCV002903343.3), dbSNP rs1468554759, ClinGen allele CA390705322.

ClinVar aggregate classification (germline): Uncertain significance (1 of 4 stars; one submission).

Conditions:
Neuropathy, hereditary sensory and autonomic, type 1C. Also called: HSAN IC; HSN IC. Identifiers: Orphanet 36386, MedGen C3150896, MONDO:0013337, OMIM 613640.

Allele frequency attached by ClinVar (database versions not stated): gnomAD 0.00001; TOPMed 0.00002.
gnomAD v4.1: 2 of 1,614,080 alleles (0.00012%); highest among the groups gnomAD compares: Admixed American, 0.0033%; no homozygotes.

Submission:

Labcorp Genetics (formerly Invitae), Labcorp
Classification: Uncertain significance for Neuropathy, hereditary sensory and autonomic, type 1C. Last evaluated: 2023-08-03. Review status: criteria provided, single submitter. Criteria: Invitae Variant Classification Sherloc (09022015). Collection method: clinical testing. Allele origin: germline.
Comment: In summary, the available evidence is currently insufficient to determine the role of this variant in disease. Therefore, it has been classified as a Variant of Uncertain Significance. An algorithm developed to predict the effect of missense changes on protein structure and function (PolyPhen-2) suggests that this variant is likely to be tolerated. This variant has not been reported in the literature in individuals affected with SPTLC2-related conditions. This variant is not present in population databases (gnomAD no frequency). This sequence change replaces tyrosine, which is neutral and polar, with cysteine, which is neutral and slightly polar, at codon 93 of the SPTLC2 protein (p.Tyr93Cys).